The following is an entry in ClinVar:

ClinVar aggregate classification (germline): Uncertain significance (1 of 4 stars; one submission).

Conditions:
3-methylglutaconic aciduria type 1 (MGCA1). Identifiers: Orphanet 67046, MedGen C0342727, MONDO:0009610, OMIM 250950.

Submission:

Labcorp Genetics (formerly Invitae), Labcorp
Classification: Uncertain significance for 3-methylglutaconic aciduria type 1. Last evaluated: 2020-02-07. Review status: criteria provided, single submitter. Criteria: Invitae Variant Classification Sherloc (09022015). Collection method: clinical testing. Allele origin: germline.
Comment: This sequence change replaces alanine with valine at codon 193 of the AUH protein (p.Ala193Val). The alanine residue is highly conserved and there is a small physicochemical difference between alanine and valine. This variant is not present in population databases (ExAC no frequency). This variant has not been reported in the literature in individuals with AUH-related conditions. Algorithms developed to predict the effect of missense changes on protein structure and function are either unavailable or do not agree on the potential impact of this missense change (SIFT: "Tolerated"; PolyPhen-2: "Possibly Damaging"; Align-GVGD: "Class C0"). In summary, the available evidence is currently insufficient to determine the role of this variant in disease. Therefore, it has been classified as a Variant of Uncertain Significance.

NM_001698.3(AUH):c.578C>T (p.Ala193Val)

Gene: AUH (AU RNA binding methylglutaconyl-CoA hydratase; minus strand). Cytogenetic location: 9q22.31.
Variant type: single nucleotide variant.
Coding change: c.578C>T on transcript NM_001698.3 (MANE Select); coding-DNA position 578, C replaced by T.
Protein change: p.Ala193Val; replaces alanine 193 with valine.
Molecular consequence: missense variant.
Genome position (GRCh38, 1-based): chr9:91,298,004, G>A on the plus strand (C>T on the coding strand, the complement: AUH is on the minus strand). VCF-style: chr9-91298004-G-A. GRCh37 (hg19) VCF-style: chr9-94060286-G-A.
Other names: c.251C>T, p.Ala84Val (NM_001351433.2, NM_001351431.2, NM_001351432.2); c.491C>T, p.Ala164Val (NM_001306190.2); short protein forms A164V, A193V, A84V.
Identifiers: ClinVar variation 1052894 (VCV001052894.9), dbSNP rs2131662764, ClinGen allele CA373836872.